The following is an entry in ClinVar:

NM_000329.3(RPE65):c.1220T>C (p.Val407Ala)

Gene: RPE65 (retinoid isomerohydrolase RPE65; minus strand). Cytogenetic location: 1p31.3.
Variant type: single nucleotide variant.
Coding change: c.1220T>C on transcript NM_000329.3 (MANE Select); coding-DNA position 1220, T replaced by C.
Protein change: p.Val407Ala; replaces valine 407 with alanine.
Molecular consequence: missense variant.
Genome position (GRCh38, 1-based): chr1:68,431,494, A>G on the plus strand (T>C on the coding strand, the complement: RPE65 is on the minus strand). VCF-style: chr1-68431494-A-G. GRCh37 (hg19) VCF-style: chr1-68897177-A-G.
Other names: short protein forms V407A.
Identifiers: ClinVar variation 98833 (VCV000098833.8), dbSNP rs62636297, ClinGen allele CA226495.

ClinVar aggregate classification (germline): Uncertain significance. Review status: criteria provided, multiple submitters, no conflicts (2 of 4 stars). 6 submissions from 6 submitters: Uncertain significance (4). 2 of the submissions do not count toward it. Last evaluated 2026-05-29.

Conditions:
Leber congenital amaurosis (LCA). Also called: Leber's amaurosis. Identifiers: Orphanet 65, MedGen C0339527, MeSH D057130, MONDO:0018998.
Retinitis pigmentosa 20 (RP20). Identifiers: Orphanet 791, MedGen C3151086, MONDO:0013425, OMIM 613794.
Leber congenital amaurosis 2 (LCA2). Also called: AMAUROSIS CONGENITA OF LEBER II; Autosomal Recessive RPE65-Related Retinal Degeneration. Identifiers: Orphanet 65, MedGen C1859844, MONDO:0008765, OMIM 204100. Disease mechanism: loss of function.

Allele frequency attached by ClinVar (database versions not stated): ExAC 0.00001; gnomAD 0.00001; gnomAD exomes 0.00001; TOPMed 0.00004.
gnomAD v4.1: 7 of 1,613,840 alleles (0.00043%); highest among the groups gnomAD compares: Admixed American, 0.005%; no homozygotes.

Submissions (6):

Women's Health and Genetics/Laboratory Corporation of America, LabCorp
Classification: Uncertain significance. Last evaluated: 2026-05-29. Review status: criteria provided, single submitter. Criteria: LabCorp Variant Classification Summary - May 2015. Collection method: clinical testing. Allele origin: germline.
Comment: Variant summary: RPE65 c.1220T>C (p.Val407Ala) results in a non-conservative amino acid change in the encoded protein sequence. Algorithms developed to predict the effect of missense changes on protein structure and function all suggest that this variant is likely to be disruptive. The variant allele was found at a frequency of 8e-06 in 250838 control chromosomes. The available data on variant occurrences in the general population are insufficient to allow any conclusion about variant significance. c.1220T>C has been observed in an array study screening for variants related to Leber congenital amaurosis without variant carrier information (Zernant_2005). These report(s) do not provide unequivocal conclusions about association of the variant with disease. To our knowledge, no experimental evidence demonstrating an impact on protein function has been reported. The following publication have been ascertained in the context of this evaluation (PMID: 16123401). ClinVar contains an entry for this variant (Variation ID: 98833). Based on the evidence outlined above, the variant was classified as uncertain significance.

Labcorp Genetics (formerly Invitae), Labcorp
Classification: Uncertain significance for Leber congenital amaurosis 2; Retinitis pigmentosa 20. Last evaluated: 2024-10-15. Review status: criteria provided, single submitter. Criteria: Invitae Variant Classification Sherloc (09022015). Collection method: clinical testing. Allele origin: germline.
Comment: This sequence change replaces valine, which is neutral and non-polar, with alanine, which is neutral and non-polar, at codon 407 of the RPE65 protein (p.Val407Ala). This variant is present in population databases (rs62636297, gnomAD 0.007%). This missense change has been observed in individual(s) with clinical features of RPE65-related conditions (PMID: 9501220). ClinVar contains an entry for this variant (Variation ID: 98833). Invitae Evidence Modeling of protein sequence and biophysical properties (such as structural, functional, and spatial information, amino acid conservation, physicochemical variation, residue mobility, and thermodynamic stability) indicates that this missense variant is not expected to disrupt RPE65 protein function with a negative predictive value of 80%. In summary, the available evidence is currently insufficient to determine the role of this variant in disease. Therefore, it has been classified as a Variant of Uncertain Significance.

Blueprint Genetics
Classification: Uncertain significance. Last evaluated: 2024-03-15. Review status: criteria provided, single submitter. Criteria: ACMG Guidelines, 2015. Collection method: clinical testing. Allele origin: germline.

Laboratory for Molecular Medicine, Mass General Brigham Personalized Medicine
Classification: Uncertain significance. Last evaluated: 2023-01-25. Review status: criteria provided, single submitter. Criteria: ACMG Guidelines, 2015. Collection method: clinical testing. Allele origin: germline.
Comment: The p.Val407Ala variant in RPE65 has been reported in 1 individual with reduced or nondetectable electroretinogram responses (Morimura 1998 PMID: 9501220). It has also been identified in 0.002413% (1/41450) of African/African American chromosomes by gnomAD. This variant has also been reported in ClinVar (Variation ID 98833). Computational prediction tools and conservation analyses do not provide strong support for or against an impact to the protein. In summary, the clinical significance of this variant is uncertain. ACMG/AMP Criteria applied: None.

Natera, Inc.
Classification: Uncertain significance for Leber congenital amaurosis. Last evaluated: 2021-02-01. Review status: no assertion criteria provided. Collection method: clinical testing. Allele origin: germline. Not counted in ClinVar's aggregate classification.

Retina International
No classification provided. Review status: no classification provided. Collection method: not provided. Allele origin: not provided. Not counted in ClinVar's aggregate classification.

Literature cited by the submitters: PubMed 16123401 (cited by Women's Health and Genetics/Laboratory Corporation of America, LabCorp); PubMed 9501220 (cited by Labcorp Genetics (formerly Invitae), Labcorp).